The following is an entry in ClinVar:

NM_000179.3(MSH6):c.339C>A (p.His113Gln)

Gene: MSH6 (mutS homolog 6; plus strand). Cytogenetic location: 2p16.3.
Variant type: single nucleotide variant.
Coding change: c.339C>A on transcript NM_000179.3 (MANE Select); coding-DNA position 339, C replaced by A.
Protein change: p.His113Gln; replaces histidine 113 with glutamine.
Molecular consequence: missense variant. On other transcripts: 5 prime UTR variant (2), intron variant (1).
Genome position (GRCh38, 1-based): chr2:47,791,005, C>A. VCF-style: chr2-47791005-C-A. GRCh37 (hg19) VCF-style: chr2-48018144-C-A.
Other names: c.-398C>A (NM_001281493.2); c.-564C>A (NM_001281494.2); c.237+7535C>A (NM_001281492.2); short protein forms H113Q.
Identifiers: ClinVar variation 823722 (VCV000823722.8), dbSNP rs886056141, ClinGen allele CA346736965.
Genomic context (GRCh38, chr2:47,791,005, plus strand): 5'-AGATTTGGTTTGGGCCAAGATGGAGGGTTACCCCTGGTGGCCTTGTCTGGTTTACAACCA[C>A]CCCTTTGATGGAACATTCATCCGCGAGAAAGGGAAATCAGTCCGTGTTCATGTACAGTTT-3'
Protein context (NP_000170.1, residues 103-123): YPWWPCLVYN[His113Gln]PFDGTFIREK

ClinVar aggregate classification (germline): Uncertain significance. Review status: criteria provided, multiple submitters, no conflicts (2 of 4 stars). 2 submissions from 2 submitters: Uncertain significance (2). Last evaluated 2023-12-04.

Conditions:
Hereditary cancer-predisposing syndrome. Also called: Neoplastic Syndromes, Hereditary; Tumor predisposition; Hereditary neoplastic syndrome; Hereditary Cancer Syndrome. Identifiers: Orphanet 140162, MedGen C0027672, MeSH D009386, MONDO:0015356.

Submissions (2):

Color Diagnostics, LLC DBA Color Health
Classification: Uncertain significance for Hereditary cancer-predisposing syndrome. Last evaluated: 2023-12-04. Review status: criteria provided, single submitter. Criteria: ACMG Guidelines, 2015. Collection method: clinical testing. Allele origin: germline.
Comment: This missense variant replaces histidine with glutamine at codon 113 of the MSH6 protein. Computational prediction suggests that this variant may not impact protein structure and function (internally defined REVEL score threshold <= 0.5, PMID: 27666373). To our knowledge, functional studies have not been reported for this variant. This variant has not been reported in individuals affected with MSH6-related disorders in the literature. This variant has not been identified in the general population by the Genome Aggregation Database (gnomAD). The available evidence is insufficient to determine the role of this variant in disease conclusively. Therefore, this variant is classified as a Variant of Uncertain Significance.

Ambry Genetics
Classification: Uncertain significance for Hereditary cancer-predisposing syndrome. Last evaluated: 2019-10-29. Review status: criteria provided, single submitter. Criteria: Ambry Variant Classification Scheme 2023. Collection method: clinical testing. Allele origin: germline.
Comment: The p.H113Q variant (also known as c.339C>A), located in coding exon 2 of the MSH6 gene, results from a C to A substitution at nucleotide position 339. The histidine at codon 113 is replaced by glutamine, an amino acid with highly similar properties. This amino acid position is well conserved in available vertebrate species; however, glutamine is the reference amino acid in other vertebrate species. In addition, this alteration is predicted to be tolerated by in silico analysis. Since supporting evidence is limited at this time, the clinical significance of this alteration remains unclear.